The following is an entry in ClinVar:

ClinVar aggregate classification (germline): Likely benign (1 of 4 stars; one submission).

Allele frequency attached by ClinVar (database versions not stated): gnomAD exomes 0.00090; 1000 Genomes Project 30x 0.00094; ExAC 0.00097; gnomAD 0.00117; 1000 Genomes Project 0.00120; TOPMed 0.00133.
gnomAD v4.1: 1,432 of 1,552,146 alleles (0.092%); highest among the groups gnomAD compares: African/African-American, 0.18%; 3 homozygotes.

Submission:

CeGaT Center for Human Genetics Tuebingen
Classification: Likely benign. Last evaluated: 2022-05-01. Review status: criteria provided, single submitter. Criteria: CeGaT Center For Human Genetics Tuebingen Variant Classification Criteria Version 2. Collection method: clinical testing. Allele origin: germline. Affected: yes. Observed: 1 variant allele.
Comment: ZSCAN5C: BP4, BP7

NM_001358413.3(ZSCAN5C):c.792G>C (p.Val264=)

Gene: ZSCAN5C (zinc finger and SCAN domain containing 5C; plus strand). Cytogenetic location: 19q13.43.
Variant type: single nucleotide variant.
Coding change: c.792G>C on transcript NM_001358413.3 (MANE Select); coding-DNA position 792, G replaced by C.
Protein change: p.Val264=; no amino-acid change (valine 264 retained).
Molecular consequence: synonymous variant.
Genome position (GRCh38, 1-based): chr19:56,208,501, G>C. VCF-style: chr19-56208501-G-C. GRCh37 (hg19) VCF-style: chr19-56719870-G-C.
Identifiers: ClinVar variation 2650557 (VCV002650557.24), dbSNP rs532797321, ClinGen allele CA9687942.